The following is an entry in ClinVar:

ClinVar aggregate classification (germline): Likely benign. Review status: criteria provided, multiple submitters, no conflicts (2 of 4 stars). 4 submissions from 4 submitters: Likely benign (4). Last evaluated 2025-04-09.

Conditions:
Cardiovascular phenotype. Identifiers: MedGen CN230736.
Progressive familial heart block type IB (PFHB1B). Identifiers: Orphanet 871, MedGen C1970298, MONDO:0011474, OMIM 604559.

Allele frequency attached by ClinVar (database versions not stated): gnomAD 0.00001; TOPMed 0.00001; gnomAD exomes 0.00002.
gnomAD v4.1: 16 of 1,613,616 alleles (0.00099%); highest among the groups gnomAD compares: Admixed American, 0.005%; no homozygotes.

Submissions (4):

Molecular Diagnostic Laboratory for Inherited Cardiovascular Disease, Montreal Heart Institute
Classification: Likely benign. Last evaluated: 2025-04-09. Review status: criteria provided, single submitter. Criteria: ACMG Guidelines, 2015. Collection method: clinical testing. Allele origin: germline. Affected: no.

Labcorp Genetics (formerly Invitae), Labcorp
Classification: Likely benign for Progressive familial heart block type IB. Last evaluated: 2025-03-08. Review status: criteria provided, single submitter. Criteria: Invitae Variant Classification Sherloc (09022015). Collection method: clinical testing. Allele origin: germline.

Ambry Genetics
Classification: Likely benign for Cardiovascular phenotype. Last evaluated: 2022-11-27. Review status: criteria provided, single submitter. Criteria: Ambry Variant Classification Scheme 2023. Collection method: clinical testing. Allele origin: germline.

GeneDx
Classification: Likely benign. Last evaluated: 2017-02-10. Review status: criteria provided, single submitter. Criteria: GeneDx Variant Classification (06012015). Collection method: clinical testing. Allele origin: germline. Affected: yes.
Comment: This variant is considered likely benign or benign based on one or more of the following criteria: it is a conservative change, it occurs at a poorly conserved position in the protein, it is predicted to be benign by multiple in silico algorithms, and/or has population frequency not consistent with disease.

NM_017636.4(TRPM4):c.651G>A (p.Pro217=)

Gene: TRPM4 (transient receptor potential cation channel subfamily M member 4; plus strand). Cytogenetic location: 19q13.33.
Variant type: single nucleotide variant.
Coding change: c.651G>A on transcript NM_017636.4 (MANE Select); coding-DNA position 651, G replaced by A.
Protein change: p.Pro217=; no amino-acid change (proline 217 retained).
Molecular consequence: synonymous variant. On other transcripts: 5 prime UTR variant (2).
Genome position (GRCh38, 1-based): chr19:49,168,591, G>A. VCF-style: chr19-49168591-G-A. GRCh37 (hg19) VCF-style: chr19-49671848-G-A.
Other names: c.651G>A, p.Pro217= (NM_001195227.2); c.306G>A, p.Pro102= (NM_001321281.2); c.-903G>A (NM_001321282.2); c.129G>A, p.Pro43= (NM_001321283.2); c.-199G>A (NM_001321285.2).
Identifiers: ClinVar variation 507384 (VCV000507384.6), dbSNP rs758473371, ClinGen allele CA9568903.